The following is an entry in ClinVar:

ClinVar aggregate classification (germline): Uncertain significance. Review status: criteria provided, multiple submitters, no conflicts (2 of 4 stars). 2 submissions from 2 submitters: Uncertain significance (2). Last evaluated 2025-12-24.

Conditions:
Familial cold autoinflammatory syndrome 3 (FCAS3). Also called: FAMILIAL ATYPICAL COLD URTICARIA; ANTIBODY DEFICIENCY AND IMMUNE DYSREGULATION, PLCG2-ASSOCIATED. Identifiers: Orphanet 300359, MedGen C3280914, MONDO:0013766, OMIM 614468.

Allele frequency attached by ClinVar (database versions not stated): ExAC 0.00002; gnomAD exomes 0.00002; TOPMed 0.00002; gnomAD 0.00003 and 0.00004.
gnomAD v4.1: 94 of 1,613,202 alleles (0.0058%); highest among the groups gnomAD compares: Non-Finnish European, 0.0077%; no homozygotes.

Submissions (2):

Labcorp Genetics (formerly Invitae), Labcorp
Classification: Uncertain significance for Familial cold autoinflammatory syndrome 3. Last evaluated: 2025-12-24. Review status: criteria provided, single submitter. Criteria: Invitae Variant Classification Sherloc (09022015). Collection method: clinical testing. Allele origin: germline.
Comment: This sequence change replaces glutamic acid, which is acidic and polar, with glutamine, which is neutral and polar, at codon 628 of the PLCG2 protein (p.Glu628Gln). This variant is present in population databases (rs778265649, gnomAD 0.004%). This variant has not been reported in the literature in individuals affected with PLCG2-related conditions. ClinVar contains an entry for this variant (Variation ID: 472892). An algorithm developed to predict the effect of missense changes on protein structure and function (PolyPhen-2) suggests that this variant is likely to be tolerated. In summary, the available evidence is currently insufficient to determine the role of this variant in disease. Therefore, it has been classified as a Variant of Uncertain Significance.

Mayo Clinic Laboratories, Mayo Clinic
Classification: Uncertain significance. Last evaluated: 2024-04-10. Review status: criteria provided, single submitter. Criteria: ACMG Guidelines, 2015. Collection method: clinical testing. Allele origin: germline. Observed: 1 variant allele.
Comment: BP4

NM_002661.5(PLCG2):c.1882G>C (p.Glu628Gln)

Gene: PLCG2 (phospholipase C gamma 2; plus strand). Cytogenetic location: 16q23.3.
Variant type: single nucleotide variant.
Coding change: c.1882G>C on transcript NM_002661.5 (MANE Select); coding-DNA position 1882, G replaced by C.
Protein change: p.Glu628Gln; replaces glutamic acid 628 with glutamine.
Molecular consequence: missense variant.
Genome position (GRCh38, 1-based): chr16:81,910,668, G>C. VCF-style: chr16-81910668-G-C. GRCh37 (hg19) VCF-style: chr16-81944273-G-C.
Other names: p.Glu628Gln; short protein forms E628Q.
Identifiers: ClinVar variation 472892 (VCV000472892.11), dbSNP rs778265649, ClinGen allele CA8193966.